The following is an entry in ClinVar:

ClinVar aggregate classification (germline): Likely benign (0 of 4 stars; one submission).

Conditions:
HDAC4-related disorder. Also called: HDAC4-related condition.

Submission:

PreventionGenetics, part of Exact Sciences
Classification: Likely benign for HDAC4-related condition. Last evaluated: 2019-09-17. Review status: no assertion criteria provided. Collection method: clinical testing. Allele origin: germline.
Comment: This variant is classified as likely benign based on ACMG/AMP sequence variant interpretation guidelines (Richards et al. 2015 PMID: 25741868, with internal and published modifications).

NM_001378414.1(HDAC4):c.2091G>C (p.Thr697=)

Gene: HDAC4 (histone deacetylase 4; minus strand). Cytogenetic location: 2q37.3.
Variant type: single nucleotide variant.
Coding change: c.2091G>C on transcript NM_001378414.1 (MANE Select); coding-DNA position 2091, G replaced by C.
Protein change: p.Thr697=; no amino-acid change (threonine 697 retained).
Molecular consequence: synonymous variant.
Genome position (GRCh38, 1-based): chr2:239,108,071, C>G on the plus strand (G>C on the coding strand, the complement: HDAC4 is on the minus strand). VCF-style: chr2-239108071-C-G. GRCh37 (hg19) VCF-style: chr2-240029767-C-G.
Other names: c.2091G>C, p.Thr697= (NM_001378415.1); c.2076G>C, p.Thr692= (NM_001378416.1, NM_001378417.1, NM_006037.4).
Identifiers: ClinVar variation 3040945 (VCV003040945.2), dbSNP rs993038179, ClinGen allele CA68026351.